The following is an entry in ClinVar:

ClinVar aggregate classification (germline): Pathogenic. Review status: criteria provided, multiple submitters, no conflicts (2 of 4 stars). 4 submissions from 4 submitters: Pathogenic (3). 1 of the submissions does not count toward it. Last evaluated 2023-09-17.

Conditions:
Neurofibromatosis, type 1 (NF1). Also called: NEUROFIBROMATOSIS, TYPE I, SOMATIC; Neurofibromatosis, type I; Peripheral type neurofibromatosis; VON RECKLINGHAUSEN DISEASE. Identifiers: Orphanet 636, MedGen C0027831, MONDO:0018975, OMIM 162200. Disease mechanism: loss of function.
Malignant tumor of urinary bladder. Also called: Bladder cancer; Urinary bladder cancer; Urinary Bladder Neoplasms. Identifiers: MedGen C0005684, MONDO:0001187, OMIM 109800.
Cafe au lait spots, multiple. Also called: Neurofibromatosis type 6. Identifiers: Orphanet 2678, MedGen C1861975, MONDO:0007245, OMIM 114030, HP:0007565. Disease mechanism: loss of function.
Tibial pseudarthrosis. Identifiers: MedGen C4024216, HP:0009736.

Submissions (4):

Labcorp Genetics (formerly Invitae), Labcorp
Classification: Pathogenic for Neurofibromatosis, type 1. Last evaluated: 2023-09-17. Review status: criteria provided, single submitter. Criteria: Invitae Variant Classification Sherloc (09022015). Collection method: clinical testing. Allele origin: germline.
Comment: This sequence change creates a premature translational stop signal (p.Trp2054*) in the NF1 gene. It is expected to result in an absent or disrupted protein product. Loss-of-function variants in NF1 are known to be pathogenic (PMID: 10712197, 23913538). This variant is not present in population databases (gnomAD no frequency). This premature translational stop signal has been observed in individual(s) with NF1-related conditions (PMID: 35024939). In at least one individual the variant was observed to be de novo. ClinVar contains an entry for this variant (Variation ID: 489188). Algorithms developed to predict the effect of sequence changes on RNA splicing suggest that this variant may create or strengthen a splice site. For these reasons, this variant has been classified as Pathogenic.

The Laboratory of Genetics and Metabolism, Hunan Children’s Hospital
Classification: Pathogenic for Cafe au lait spots, multiple; Tibial pseudarthrosis. Last evaluated: 2021-09-24. Review status: criteria provided, single submitter. Criteria: ACMG Guidelines, 2015. Collection method: research. Allele origin: de novo. Affected: yes. Observed: 1 variant allele.

GeneDx
Classification: Pathogenic. Last evaluated: 2017-11-28. Review status: criteria provided, single submitter. Criteria: GeneDx Variant Classification (06012015). Collection method: clinical testing. Allele origin: germline. Affected: yes.
Comment: The W2054X nonsense variant in the NF1 gene is predicted to cause loss of normal protein function either through protein truncation or nonsense-mediated mRNA decay. The variant is not observed at a significant frequency in large population cohorts (Lek et al., 2016). Although this pathogenic variant has not been reported previously to our knowledge, its presence is consistent with the diagnosis of NF1.

Laboratory of Urology, Hospital Clinic de Barcelona
Classification: Pathogenic for Malignant tumor of urinary bladder. Review status: no assertion criteria provided. Collection method: research. Allele origin: somatic. Affected: yes. Not counted in ClinVar's aggregate classification.

Literature cited by the submitters: PubMed 10712197 (cited by Labcorp Genetics (formerly Invitae), Labcorp); PubMed 23913538 (cited by Labcorp Genetics (formerly Invitae), Labcorp); PubMed 35024939 (cited by Labcorp Genetics (formerly Invitae), Labcorp and The Laboratory of Genetics and Metabolism, Hunan Children’s Hospital).

NM_001042492.3(NF1):c.6225G>A (p.Trp2075Ter)

Gene: NF1 (neurofibromin 1; plus strand). Cytogenetic location: 17q11.2.
Variant type: single nucleotide variant.
Coding change: c.6225G>A on transcript NM_001042492.3 (MANE Select); coding-DNA position 6225, G replaced by A.
Protein change: p.Trp2075Ter; replaces tryptophan 2075 with a stop codon.
Molecular consequence: nonsense.
Genome position (GRCh38, 1-based): chr17:31,336,712, G>A. VCF-style: chr17-31336712-G-A. GRCh37 (hg19) VCF-style: chr17-29663730-G-A.
Other names: c.6162G>A, p.Trp2054Ter (NM_000267.4); short protein forms W2054*, W2075*.
Identifiers: ClinVar variation 489188 (VCV000489188.17), dbSNP rs1555534677, ClinGen allele CA399011996.
Genomic context (GRCh38, chr17:31,336,712, plus strand): 5'-CAAAATAATTGACAAGACATGCTTATCTCCAACTCCTACTTTAGAACAACATCTTATGTG[G>A]GATGATATTGCTATTTTAGCACGCTACATGCTGATGCTGTCCTTCAACAATTCCCTTGAT-3'